The following is an entry in ClinVar:

NM_002485.5(NBN):c.910C>A (p.Pro304Thr)

Gene: NBN (nibrin; minus strand). Cytogenetic location: 8q21.3.
Variant type: single nucleotide variant.
Coding change: c.910C>A on transcript NM_002485.5 (MANE Select); coding-DNA position 910, C replaced by A.
Protein change: p.Pro304Thr; replaces proline 304 with threonine.
Molecular consequence: missense variant.
Genome position (GRCh38, 1-based): chr8:89,964,494, G>T on the plus strand (C>A on the coding strand, the complement: NBN is on the minus strand). VCF-style: chr8-89964494-G-T. GRCh37 (hg19) VCF-style: chr8-90976722-G-T.
Other names: c.664C>A, p.Pro222Thr (NM_001024688.3); short protein forms P222T, P304T.
Identifiers: ClinVar variation 1062051 (VCV001062051.9), dbSNP rs2129787141, ClinGen allele CA371657133.

ClinVar aggregate classification (germline): Uncertain significance (1 of 4 stars; one submission).

Conditions:
Microcephaly, normal intelligence and immunodeficiency (NBS). Also called: BERLIN BREAKAGE SYNDROME; SEEMANOVA SYNDROME II; Immunodeficiency, microcephaly with normal intelligence; Nijmegen breakage syndrome; Microcephaly with normal intelligence immunodeficiency and lymphoreticular malignancies; Nonsyndromal microcephaly autosomal recessive with normal intelligence. Identifiers: Orphanet 647, MedGen C0398791, MONDO:0009623, OMIM 251260.

Submission:

Labcorp Genetics (formerly Invitae), Labcorp
Classification: Uncertain significance for Microcephaly, normal intelligence and immunodeficiency. Last evaluated: 2020-10-20. Review status: criteria provided, single submitter. Criteria: Invitae Variant Classification Sherloc (09022015). Collection method: clinical testing. Allele origin: germline.
Comment: Algorithms developed to predict the effect of missense changes on protein structure and function (SIFT, PolyPhen-2, Align-GVGD) all suggest that this variant is likely to be tolerated, but these predictions have not been confirmed by published functional studies and their clinical significance is uncertain. In summary, the available evidence is currently insufficient to determine the role of this variant in disease. Therefore, it has been classified as a Variant of Uncertain Significance. This variant has not been reported in the literature in individuals with NBN-related conditions. This variant is not present in population databases (ExAC no frequency). This sequence change replaces proline with threonine at codon 304 of the NBN protein (p.Pro304Thr). The proline residue is weakly conserved and there is a small physicochemical difference between proline and threonine.